The following is an entry in ClinVar:

NM_006904.7(PRKDC):c.8309T>C (p.Val2770Ala)

Gene: PRKDC (protein kinase, DNA-activated, catalytic subunit; minus strand). Cytogenetic location: 8q11.21.
Variant type: single nucleotide variant.
Coding change: c.8309T>C on transcript NM_006904.7 (MANE Select); coding-DNA position 8309, T replaced by C.
Protein change: p.Val2770Ala; replaces valine 2770 with alanine.
Molecular consequence: missense variant.
Genome position (GRCh38, 1-based): chr8:47,830,693, A>G on the plus strand (T>C on the coding strand, the complement: PRKDC is on the minus strand). VCF-style: chr8-47830693-A-G. GRCh37 (hg19) VCF-style: chr8-48743254-A-G.
Other names: c.8309T>C, p.Val2770Ala (NM_001081640.2); short protein forms V2770A.
Identifiers: ClinVar variation 1762855 (VCV001762855.2), dbSNP rs2551866633, ClinGen allele CA371147118.

ClinVar aggregate classification (germline): Uncertain significance (1 of 4 stars; one submission).

Submission:

Ambry Genetics
Classification: Uncertain significance. Last evaluated: 2022-10-08. Review status: criteria provided, single submitter. Criteria: Ambry Variant Classification Scheme 2023. Collection method: clinical testing. Allele origin: germline.
Comment: The p.V2770A variant (also known as c.8309T>C), located in coding exon 61 of the PRKDC gene, results from a T to C substitution at nucleotide position 8309. The valine at codon 2770 is replaced by alanine, an amino acid with similar properties. This amino acid position is conserved. Since supporting evidence is limited at this time, the clinical significance of this alteration remains unclear.